The following is an entry in ClinVar:

NM_033026.6(PCLO):c.13580G>A (p.Ser4527Asn)

Gene: PCLO (piccolo presynaptic cytomatrix protein; minus strand). Cytogenetic location: 7q21.11.
Variant type: single nucleotide variant.
Coding change: c.13580G>A on transcript NM_033026.6 (MANE Select); coding-DNA position 13580, G replaced by A.
Protein change: p.Ser4527Asn; replaces serine 4527 with asparagine.
Molecular consequence: missense variant.
Genome position (GRCh38, 1-based): chr7:82,879,411, C>T on the plus strand (G>A on the coding strand, the complement: PCLO is on the minus strand). VCF-style: chr7-82879411-C-T. GRCh37 (hg19) VCF-style: chr7-82508727-C-T.
Other names: c.13580G>A, p.Ser4527Asn (NM_014510.3); short protein forms S4527N.
Identifiers: ClinVar variation 1994177 (VCV001994177.4), dbSNP rs377297010, ClinGen allele CA161131038.
Genomic context (GRCh38, chr7:82,879,411, plus strand): 5'-CCCGTCTGTTCCGCACTTCCCCCAGGAAGAATCTTGGCAATATAGGCTCCAATTTCTCCA[C>T]TATGTCCCGGGATTTCTTTACCACCCACAATTCTAATTCCTAATCCATTACCTGTATTAA-3'
Protein context (NP_149015.2, residues 4517-4537): IVGGKEIPGH[Ser4527Asn]GEIGAYIAKI

ClinVar aggregate classification (germline): Uncertain significance (1 of 4 stars; one submission).

gnomAD v4.1: 2 of 1,610,048 alleles (0.00012%); highest among the groups gnomAD compares: Non-Finnish European, 0.00017%; no homozygotes.

Submission:

Labcorp Genetics (formerly Invitae), Labcorp
Classification: Uncertain significance. Last evaluated: 2022-06-13. Review status: criteria provided, single submitter. Criteria: Invitae Variant Classification Sherloc (09022015). Collection method: clinical testing. Allele origin: germline.
Comment: In summary, the available evidence is currently insufficient to determine the role of this variant in disease. Therefore, it has been classified as a Variant of Uncertain Significance. Algorithms developed to predict the effect of missense changes on protein structure and function output the following: SIFT: "Tolerated"; PolyPhen-2: "Not Available"; Align-GVGD: "Class C0". The asparagine amino acid residue is found in multiple mammalian species, which suggests that this missense change does not adversely affect protein function. This variant has not been reported in the literature in individuals affected with PCLO-related conditions. This variant is not present in population databases (gnomAD no frequency). This sequence change replaces serine, which is neutral and polar, with asparagine, which is neutral and polar, at codon 4527 of the PCLO protein (p.Ser4527Asn).